The following is an entry in ClinVar:

NM_000496.3(CRYBB2):c.173C>T (p.Pro58Leu)

Gene: CRYBB2 (crystallin beta B2; plus strand). Cytogenetic location: 22q11.23.
Variant type: single nucleotide variant.
Coding change: c.173C>T on transcript NM_000496.3 (MANE Select); coding-DNA position 173, C replaced by T.
Protein change: p.Pro58Leu; replaces proline 58 with leucine.
Molecular consequence: missense variant.
Genome position (GRCh38, 1-based): chr22:25,225,036, C>T. VCF-style: chr22-25225036-C-T. GRCh37 (hg19) VCF-style: chr22-25621003-C-T.
Other names: c.173C>T (NM_000496.2); short protein forms P58L.
Identifiers: ClinVar variation 1210343 (VCV001210343.4), dbSNP rs763268420, ClinGen allele CA10157947.

ClinVar aggregate classification (germline): Conflicting classifications of pathogenicity. Review status: criteria provided, conflicting classifications (1 of 4 stars). 2 submissions from 2 submitters: Likely pathogenic (1); Uncertain significance (1). Last evaluated 2025-05-08.

Conditions:
CRYBB2-related disorder. Also called: CRYBB2-related condition.
Cataract 3 multiple types. Also called: CATARACT 3, MULTIPLE TYPES, WITH OR WITHOUT MICROCORNEA. Identifiers: Orphanet 1377, MedGen C1832175, MONDO:0011104, OMIM 601547.

Allele frequency attached by ClinVar (database versions not stated): ExAC 0.00001; gnomAD exomes 0.00001; TOPMed 0.00001.
gnomAD v4.1: 8 of 1,552,392 alleles (0.00052%); highest among the groups gnomAD compares: African/African-American, 0.0014%; no homozygotes.

Submissions (2):

PreventionGenetics, part of Exact Sciences
Classification: Uncertain significance for CRYBB2-related condition. Last evaluated: 2025-05-08. Review status: criteria provided, single submitter. Criteria: ACMG Guidelines, 2015. Collection method: clinical testing. Allele origin: germline.
Comment: The CRYBB2 c.173C>T variant is predicted to result in the amino acid substitution p.Pro58Leu. To our knowledge, this variant has not been reported in the literature. This variant is reported in 0.0054% of alleles in individuals of East Asian descent in gnomAD. At this time, the clinical significance of this variant is uncertain due to the absence of conclusive functional and genetic evidence.

Genome-Nilou Lab
Classification: Likely pathogenic for Cataract 3 multiple types. Last evaluated: 2021-07-22. Review status: criteria provided, single submitter. Criteria: ACMG Guidelines, 2015. Collection method: clinical testing. Allele origin: germline. Affected: yes.